The following is an entry in ClinVar:

NM_018714.3(COG1):c.1406ACA[1] (p.Asn470del)

Gene: COG1 (component of oligomeric golgi complex 1; plus strand). Cytogenetic location: 17q25.1.
Variant type: Microsatellite.
Coding change: c.1406ACA[1] on transcript NM_018714.3 (MANE Select); one copy of the 3-base unit ACA starting at c.1406; the reference has two copies in a row; one copy, 3 bases deleted.
Protein change: p.Asn470del; deletes asparagine 470.
Molecular consequence: inframe deletion.
Genome position (GRCh38, 1-based): chr17:73,201,236-73,201,238, ACA deleted; deleting any 3 consecutive bases within chr17:73,201,233-73,201,238 gives the same sequence; the position shown is the placement nearest the transcript's 3' end. VCF-style (leftmost placement, unchanged base first): chr17-73201232-TACA-T. GRCh37 (hg19) VCF-style: chr17-71197371-TACA-T.
Other names: short protein forms N470del.
Identifiers: ClinVar variation 1372280 (VCV001372280.6), dbSNP rs1354666647, ClinGen allele CA627590146.

ClinVar aggregate classification (germline): Uncertain significance (1 of 4 stars; one submission).

Conditions:
COG1 congenital disorder of glycosylation (CDG2G). Also called: CONGENITAL DISORDER OF GLYCOSYLATION, TYPE IIg; CDG IIg; CDGII/COG1 CEREBROCOSTOMANDIBULAR-LIKE SYNDROME. Identifiers: Orphanet 263508, MedGen C2931011, MONDO:0012637, OMIM 611209.

Submission:

Labcorp Genetics (formerly Invitae), Labcorp
Classification: Uncertain significance for COG1 congenital disorder of glycosylation. Last evaluated: 2025-06-15. Review status: criteria provided, single submitter. Criteria: Invitae Variant Classification Sherloc (09022015). Collection method: clinical testing. Allele origin: germline.
Comment: This variant, c.1409_1411del, results in the deletion of 1 amino acid(s) of the COG1 protein (p.Asn470del), but otherwise preserves the integrity of the reading frame. This variant is present in population databases (no rsID available, gnomAD 0.002%). This variant has not been reported in the literature in individuals affected with COG1-related conditions. Experimental studies and prediction algorithms are not available or were not evaluated, and the functional significance of this variant is currently unknown. In summary, the available evidence is currently insufficient to determine the role of this variant in disease. Therefore, it has been classified as a Variant of Uncertain Significance.